The following is an entry in ClinVar:

ClinVar aggregate classification (germline): Uncertain significance. Review status: criteria provided, multiple submitters, no conflicts (2 of 4 stars). 6 submissions from 6 submitters: Uncertain significance (5). 1 of the submissions does not count toward it. Last evaluated 2026-05-07.

Conditions:
Meckel-Gruber syndrome. Also called: GRUBER SYNDROME; DYSENCEPHALIA SPLANCHNOCYSTICA; Dysencephalia splachnocystica. Identifiers: Orphanet 564, MedGen C0265215, MONDO:0018921.
Joubert syndrome. Also called: Familial aplasia of the vermis; JOUBERT-BOLTSHAUSER SYNDROME. Identifiers: Orphanet 475, MedGen C5979921, MONDO:0018772.
MKS1-related disorder. Also called: MKS1-related disorders; MKS1-related condition. Identifiers: MedGen CN239382.
Meckel syndrome, type 1 (MKS1). Also called: MECKEL-GRUBER SYNDROME, TYPE 1. Identifiers: Orphanet 564, MedGen C3714506, MONDO:0009571, OMIM 249000.
Joubert syndrome 28 (JBTS28). Identifiers: MedGen C4310705, MONDO:0014928, OMIM 617121.
Bardet-Biedl syndrome 13 (BBS13). Identifiers: Orphanet 110, MedGen C2673873, MONDO:0014441, OMIM 615990.

Allele frequency attached by ClinVar (database versions not stated): TOPMed 0.00004; 1000 Genomes Project 0.00040; 1000 Genomes Project 30x 0.00062.
gnomAD v4.1: 44 of 1,614,072 alleles (0.0027%); highest among the groups gnomAD compares: East Asian, 0.029%; no homozygotes.

Submissions (6):

PreventionGenetics, part of Exact Sciences
Classification: Uncertain significance for MKS1-related condition. Last evaluated: 2026-05-07. Review status: criteria provided, single submitter. Criteria: ACMG Guidelines, 2015. Collection method: clinical testing. Allele origin: germline.
Comment: The MKS1 c.811C>G variant is predicted to result in the amino acid substitution p.His271Asp. To our knowledge, this variant has not been reported in the literature. This variant is reported in 0.029% of alleles in individuals of African descent in gnomAD. At this time, the clinical significance of this variant is uncertain due to the absence of conclusive functional and genetic evidence.

Fulgent Genetics
Classification: Uncertain significance for Meckel syndrome, type 1; Bardet-Biedl syndrome 13; Joubert syndrome 28. Last evaluated: 2024-05-13. Review status: criteria provided, single submitter. Criteria: ACMG Guidelines, 2015. Collection method: clinical testing. Allele origin: germline.

GeneDx
Classification: Uncertain significance. Last evaluated: 2024-04-23. Review status: criteria provided, single submitter. Criteria: GeneDx Variant Classification Process June 2021. Collection method: clinical testing. Allele origin: germline. Affected: yes.
Comment: In silico analysis indicates that this missense variant does not alter protein structure/function; Has not been previously published as pathogenic or benign to our knowledge

Blueprint Genetics
Classification: Uncertain significance. Last evaluated: 2023-10-19. Review status: criteria provided, single submitter. Criteria: ACMG Guidelines, 2015. Collection method: clinical testing. Allele origin: germline.

Labcorp Genetics (formerly Invitae), Labcorp
Classification: Uncertain significance for Joubert syndrome; Meckel-Gruber syndrome. Last evaluated: 2022-07-26. Review status: criteria provided, single submitter. Criteria: Invitae Variant Classification Sherloc (09022015). Collection method: clinical testing. Allele origin: germline.
Comment: This sequence change replaces histidine, which is basic and polar, with aspartic acid, which is acidic and polar, at codon 271 of the MKS1 protein (p.His271Asp). This variant is present in population databases (rs201771125, gnomAD 0.03%). This variant has not been reported in the literature in individuals affected with MKS1-related conditions. ClinVar contains an entry for this variant (Variation ID: 851430). Advanced modeling of protein sequence and biophysical properties (such as structural, functional, and spatial information, amino acid conservation, physicochemical variation, residue mobility, and thermodynamic stability) performed at Invitae indicates that this missense variant is not expected to disrupt MKS1 protein function. In summary, the available evidence is currently insufficient to determine the role of this variant in disease. Therefore, it has been classified as a Variant of Uncertain Significance.

Natera, Inc.
Classification: Uncertain significance for Meckel syndrome type 1. Last evaluated: 2020-09-16. Review status: no assertion criteria provided. Collection method: clinical testing. Allele origin: germline. Not counted in ClinVar's aggregate classification.

NM_017777.4(MKS1):c.811C>G (p.His271Asp)

Gene: MKS1 (MKS transition zone complex subunit 1; minus strand). Cytogenetic location: 17q22.
Variant type: single nucleotide variant.
Coding change: c.811C>G on transcript NM_017777.4 (MANE Select); coding-DNA position 811, C replaced by G.
Protein change: p.His271Asp; replaces histidine 271 with aspartic acid.
Molecular consequence: missense variant.
Genome position (GRCh38, 1-based): chr17:58,213,029, G>C on the plus strand (C>G on the coding strand, the complement: MKS1 is on the minus strand). VCF-style: chr17-58213029-G-C. GRCh37 (hg19) VCF-style: chr17-56290390-G-C.
Other names: c.202C>G, p.His68Asp (NM_001321268.2); c.811C>G, p.His271Asp (NM_001321269.2, NM_001330397.2); short protein forms H271D, H68D.
Identifiers: ClinVar variation 851430 (VCV000851430.11), dbSNP rs201771125, ClinGen allele CA8669403.